The following is an entry in ClinVar:

ClinVar aggregate classification (germline): Likely benign. Review status: criteria provided, single submitter (1 of 4 stars). 2 submissions from 2 submitters: Likely benign (1). 1 of the submissions does not count toward it. Last evaluated 2023-03-23.

Conditions:
Hereditary cancer-predisposing syndrome. Also called: Hereditary Cancer Syndrome; Hereditary neoplastic syndrome; Neoplastic Syndromes, Hereditary; Tumor predisposition. Identifiers: Orphanet 140162, MedGen C0027672, MeSH D009386, MONDO:0015356.
Breast-ovarian cancer, familial, susceptibility to, 1 (BROVCA1). Also called: BRCA1 Hereditary Breast and Ovarian Cancer; OVARIAN CANCER, SUSCEPTIBILITY TO. Identifiers: Orphanet 145, MedGen C2676676, MONDO:0011450, OMIM 604370. Disease mechanism: loss of function.

Submissions (2):

University of Washington Department of Laboratory Medicine, University of Washington
Classification: Likely benign for Hereditary cancer-predisposing syndrome. Last evaluated: 2023-03-23. Review status: criteria provided, single submitter. Criteria: Dines et al. (Genet Med. 2020). Collection method: curation. Allele origin: germline.
Comment: Missense variant in a coldspot region where missense variants are very unlikely to be pathogenic (PMID:31911673).

BRCA1 coldspot (exon 11 using historical exon numbering). Reclassification based on statistical prior probability

Breast Cancer Information Core (BIC) (BRCA1)
Classification: Uncertain significance for Breast-ovarian cancer, familial 1. Last evaluated: 2004-02-20. Review status: no assertion criteria provided. Collection method: clinical testing. Allele origin: germline. Affected: yes. Observed: 1 variant allele. Not counted in ClinVar's aggregate classification.

NM_007294.4(BRCA1):c.4011C>G (p.Asp1337Glu)

Genes: BRCA1 (BRCA1 DNA repair associated; minus strand), LOC126862571 (BRD4-independent group 4 enhancer GRCh37_chr17:41243136-41244335; plus strand). Cytogenetic location: 17q21.31.
Variant type: single nucleotide variant.
Coding change: c.4011C>G on transcript NM_007294.4 (MANE Select); coding-DNA position 4011, C replaced by G.
Protein change: p.Asp1337Glu; replaces aspartic acid 1337 with glutamic acid.
Molecular consequence: missense variant. On other transcripts: intron variant (135).
Genome position (GRCh38, 1-based): chr17:43,091,520, G>C on the plus strand (C>G on the coding strand, the complement: BRCA1 is on the minus strand). VCF-style: chr17-43091520-G-C. GRCh37 (hg19) VCF-style: chr17-41243537-G-C.
Other names: c.3678C>G, p.Asp1226Glu (NM_001407951.1, NM_001407952.1, NM_001407953.1 and 6 more transcripts); c.3675C>G, p.Asp1225Glu (NM_001407954.1, NM_001407955.1, NM_001407956.1 and 1 more transcripts); c.3630C>G, p.Asp1210Glu (NM_001407959.1, NM_001407960.1, NM_001407963.1); c.3627C>G, p.Asp1209Glu (NM_001407962.1); c.3867C>G, p.Asp1289Glu (NM_001407964.1, NM_001407740.1, NM_001407741.1 and 20 more transcripts); c.3507C>G, p.Asp1169Glu (NM_001407965.1); c.3123C>G, p.Asp1041Glu (NM_001407966.1, NM_001407967.1); c.1407C>G, p.Asp469Glu (NM_001407968.1, NM_001407969.1); and 41 more; short protein forms D1337E, D1290E, D1041E, D1169E, D1209E, D1248E, D1310E, D1336E.
Identifiers: ClinVar variation 55075 (VCV000055075.5), dbSNP rs80356886, ClinGen allele CA002566.